The following is an entry in ClinVar:

NM_003901.4(SGPL1):c.910-16T>A

Gene: SGPL1 (sphingosine-1-phosphate lyase 1; plus strand). Cytogenetic location: 10q22.1.
Variant type: single nucleotide variant.
Coding change: c.910-16T>A on transcript NM_003901.4 (MANE Select); 16 bases into the intron before coding-DNA position 910, T replaced by A.
Molecular consequence: intron variant.
Genome position (GRCh38, 1-based): chr10:70,871,821, T>A. VCF-style: chr10-70871821-T-A. GRCh37 (hg19) VCF-style: chr10-72631578-T-A.
Identifiers: ClinVar variation 2114213 (VCV002114213.4), dbSNP rs2492800584, ClinGen allele CA2580081785.

ClinVar aggregate classification (germline): Uncertain significance (1 of 4 stars; one submission).

Submission:

Labcorp Genetics (formerly Invitae), Labcorp
Classification: Uncertain significance. Last evaluated: 2022-03-19. Review status: criteria provided, single submitter. Criteria: Invitae Variant Classification Sherloc (09022015). Collection method: clinical testing. Allele origin: germline.
Comment: This variant is not present in population databases (gnomAD no frequency). This sequence change falls in intron 10 of the SGPL1 gene. It does not directly change the encoded amino acid sequence of the SGPL1 protein. This variant has not been reported in the literature in individuals affected with SGPL1-related conditions. In summary, the available evidence is currently insufficient to determine the role of this variant in disease. Therefore, it has been classified as a Variant of Uncertain Significance. Algorithms developed to predict the effect of sequence changes on RNA splicing suggest that this variant may disrupt the consensus splice site.